The following is an entry in ClinVar:

ClinVar aggregate classification (germline): Uncertain significance (1 of 4 stars; one submission).

Conditions:
Autosomal recessive severe congenital neutropenia due to CSF3R deficiency. Also called: Neutropenia, severe congenital, 7, autosomal recessive. Identifiers: Orphanet 420702, MedGen C4310764, MONDO:0014865, OMIM 617014.

Allele frequency attached by ClinVar (database versions not stated): ExAC 0.00003; TOPMed 0.00006; ESP Exome Variant Server 0.00015.
gnomAD v4.1: 121 of 1,611,832 alleles (0.0075%); highest among the groups gnomAD compares: Non-Finnish European, 0.01%; no homozygotes.

Submission:

Labcorp Genetics (formerly Invitae), Labcorp
Classification: Uncertain significance for Autosomal recessive severe congenital neutropenia due to CSF3R deficiency. Last evaluated: 2025-11-24. Review status: criteria provided, single submitter. Criteria: Invitae Variant Classification Sherloc (09022015). Collection method: clinical testing. Allele origin: germline.
Comment: This sequence change replaces methionine, which is neutral and non-polar, with isoleucine, which is neutral and non-polar, at codon 525 of the CSF3R protein (p.Met525Ile). This variant is present in population databases (rs149081693, gnomAD 0.009%). This variant has not been reported in the literature in individuals affected with CSF3R-related conditions. ClinVar contains an entry for this variant (Variation ID: 2077196). An algorithm developed to predict the effect of missense changes on protein structure and function (PolyPhen-2) suggests that this variant is likely to be tolerated. In summary, the available evidence is currently insufficient to determine the role of this variant in disease. Therefore, it has been classified as a Variant of Uncertain Significance.

NM_000760.4(CSF3R):c.1575G>A (p.Met525Ile)

Gene: CSF3R (colony stimulating factor 3 receptor; minus strand). Cytogenetic location: 1p34.3.
Variant type: single nucleotide variant.
Coding change: c.1575G>A on transcript NM_000760.4 (MANE Select); coding-DNA position 1575, G replaced by A.
Protein change: p.Met525Ile; replaces methionine 525 with isoleucine.
Molecular consequence: missense variant.
Genome position (GRCh38, 1-based): chr1:36,469,157, C>T on the plus strand (G>A on the coding strand, the complement: CSF3R is on the minus strand). VCF-style: chr1-36469157-C-T. GRCh37 (hg19) VCF-style: chr1-36934758-C-T.
Other names: c.1575G>A, p.Met525Ile (NM_156039.3, NM_172313.3); short protein forms M525I.
Identifiers: ClinVar variation 2077196 (VCV002077196.4), dbSNP rs149081693, ClinGen allele CA769151.